The following is an entry in ClinVar:

ClinVar aggregate classification (germline): Uncertain significance (1 of 4 stars; one submission).

Conditions:
Seizures, benign familial infantile, 3 (BFIS3). Also called: Familial neonatal seizures; CONVULSIONS, BENIGN FAMILIAL INFANTILE, 3. Identifiers: Orphanet 140927, Orphanet 306, MedGen C1843140, MONDO:0011904, OMIM 607745.
Developmental and epileptic encephalopathy, 11 (DEE11). Also called: Early infantile epileptic encephalopathy 11. Identifiers: Orphanet 1934, MedGen C3150987, MONDO:0013388, OMIM 613721.

Submission:

Labcorp Genetics (formerly Invitae), Labcorp
Classification: Uncertain significance for Seizures, benign familial infantile, 3; Developmental and epileptic encephalopathy, 11. Last evaluated: 2023-10-07. Review status: criteria provided, single submitter. Criteria: Invitae Variant Classification Sherloc (09022015). Collection method: clinical testing. Allele origin: germline.
Comment: This sequence change replaces methionine, which is neutral and non-polar, with threonine, which is neutral and polar, at codon 1010 of the SCN2A protein (p.Met1010Thr). This variant is not present in population databases (gnomAD no frequency). This variant has not been reported in the literature in individuals affected with SCN2A-related conditions. Advanced modeling of protein sequence and biophysical properties (such as structural, functional, and spatial information, amino acid conservation, physicochemical variation, residue mobility, and thermodynamic stability) performed at Invitae indicates that this missense variant is not expected to disrupt SCN2A protein function. In summary, the available evidence is currently insufficient to determine the role of this variant in disease. Therefore, it has been classified as a Variant of Uncertain Significance.

NM_001040142.2(SCN2A):c.3029T>C (p.Met1010Thr)

Gene: SCN2A (sodium voltage-gated channel alpha subunit 2; plus strand). Cytogenetic location: 2q24.3.
Variant type: single nucleotide variant.
Coding change: c.3029T>C on transcript NM_001040142.2 (MANE Select); coding-DNA position 3029, T replaced by C.
Protein change: p.Met1010Thr; replaces methionine 1010 with threonine.
Molecular consequence: missense variant.
Genome position (GRCh38, 1-based): chr2:165,354,301, T>C. VCF-style: chr2-165354301-T-C. GRCh37 (hg19) VCF-style: chr2-166210811-T-C.
Other names: c.3029T>C, p.Met1010Thr (NM_001040143.2, NM_001371246.1, NM_001371247.1 and 1 more transcripts); short protein forms M1010T.
Identifiers: ClinVar variation 2952645 (VCV002952645.3), dbSNP rs2105336934, ClinGen allele CA349019780.